The following is an entry in ClinVar:

ClinVar aggregate classification (germline): Benign/Likely benign. Review status: criteria provided, multiple submitters, no conflicts (2 of 4 stars). 3 submissions from 3 submitters: Benign (1); Likely benign (2). Last evaluated 2025-10-27.

Allele frequency attached by ClinVar (database versions not stated): gnomAD exomes 0.00013 and 0.00039; ExAC 0.00048; 1000 Genomes Project 0.00060; 1000 Genomes Project 30x 0.00078; gnomAD 0.00154 and 0.00169; TOPMed 0.00161; ESP Exome Variant Server 0.00185.

Submissions (3):

Labcorp Genetics (formerly Invitae), Labcorp
Classification: Benign. Last evaluated: 2025-10-27. Review status: criteria provided, single submitter. Criteria: Invitae Variant Classification Sherloc (09022015). Collection method: clinical testing. Allele origin: germline.

CeGaT Center for Human Genetics Tuebingen
Classification: Likely benign. Last evaluated: 2024-09-01. Review status: criteria provided, single submitter. Criteria: CeGaT Center For Human Genetics Tuebingen Variant Classification Criteria Version 2. Collection method: clinical testing. Allele origin: germline. Affected: yes. Observed: 2 variant alleles.
Comment: TELO2: BP4, BP7

Blueprint Genetics
Classification: Likely benign. Last evaluated: 2024-08-28. Review status: criteria provided, single submitter. Criteria: ACMG Guidelines, 2015. Collection method: clinical testing. Allele origin: germline.

NM_016111.4(TELO2):c.1959T>A (p.Pro653=)

Gene: TELO2 (telomere maintenance 2; plus strand). Cytogenetic location: 16p13.3.
Variant type: single nucleotide variant.
Coding change: c.1959T>A on transcript NM_016111.4 (MANE Select); coding-DNA position 1959, T replaced by A.
Protein change: p.Pro653=; no amino-acid change (proline 653 retained).
Molecular consequence: synonymous variant.
Genome position (GRCh38, 1-based): chr16:1,505,526, T>A. VCF-style: chr16-1505526-T-A. GRCh37 (hg19) VCF-style: chr16-1555527-T-A.
Other names: c.1959T>A, p.Pro653= (NM_001351846.2).
Identifiers: ClinVar variation 714680 (VCV000714680.27), dbSNP rs61739367, ClinGen allele CA7812404.